The following is an entry in ClinVar:

ClinVar aggregate classification (germline): Uncertain significance (1 of 4 stars; one submission).

Conditions:
CRISPLD2-related disorder. Also called: CRISPLD2-related condition.

gnomAD v4.1: 12 of 1,614,028 alleles (0.00074%); highest among the groups gnomAD compares: Admixed American, 0.0017%; no homozygotes.

Submission:

PreventionGenetics, part of Exact Sciences
Classification: Uncertain significance for CRISPLD2-related condition. Last evaluated: 2025-05-12. Review status: criteria provided, single submitter. Criteria: ACMG Guidelines, 2015. Collection method: clinical testing. Allele origin: germline.
Comment: The CRISPLD2 c.432C>T variant is not predicted to result in an amino acid change (p.=). Based on available splicing prediction programs (Alamut Visual v1.6.1; SpliceAI, Jaganathan et al. 2019. PubMed ID: 30661751), this variant is predicted to create a cryptic splice donor site; however, the use of computer prediction programs is not equivalent to functional evidence. To our knowledge, this variant has not been reported in the literature. This variant is reported in 0.030% of alleles in individuals of Ashkenazi Jewish descent in gnomAD. At this time, the clinical significance of this variant is uncertain due to the absence of conclusive functional and genetic evidence.

NM_031476.4(CRISPLD2):c.432C>T (p.Ser144=)

Gene: CRISPLD2 (cysteine rich secretory protein LCCL domain containing 2; plus strand). Cytogenetic location: 16q24.1.
Variant type: single nucleotide variant.
Coding change: c.432C>T on transcript NM_031476.4 (MANE Select); coding-DNA position 432, C replaced by T.
Protein change: p.Ser144=; no amino-acid change (serine 144 retained).
Molecular consequence: synonymous variant.
Genome position (GRCh38, 1-based): chr16:84,849,457, C>T. VCF-style: chr16-84849457-C-T. GRCh37 (hg19) VCF-style: chr16-84883063-C-T.
Identifiers: ClinVar variation 4987631 (VCV004987631.1).